The following is an entry in ClinVar:

ClinVar aggregate classification (germline): Likely benign (0 of 4 stars; one submission).

Conditions:
DNMT3A-related disorder. Also called: DNMT3A-related condition; DNMT3A-related disorders.

Submission:

PreventionGenetics, part of Exact Sciences
Classification: Likely benign for DNMT3A-related condition. Last evaluated: 2024-03-27. Review status: no assertion criteria provided. Collection method: clinical testing. Allele origin: germline.
Comment: This variant is classified as likely benign based on ACMG/AMP sequence variant interpretation guidelines (Richards et al. 2015 PMID: 25741868, with internal and published modifications).

NM_022552.5(DNMT3A):c.213G>C (p.Val71=)

Gene: DNMT3A (DNA methyltransferase 3 alpha; minus strand). Cytogenetic location: 2p23.3.
Variant type: single nucleotide variant.
Coding change: c.213G>C on transcript NM_022552.5 (MANE Select); coding-DNA position 213, G replaced by C.
Protein change: p.Val71=; no amino-acid change (valine 71 retained).
Molecular consequence: synonymous variant. On other transcripts: non-coding transcript variant (1).
Genome position (GRCh38, 1-based): chr2:25,282,676, C>G on the plus strand (G>C on the coding strand, the complement: DNMT3A is on the minus strand). VCF-style: chr2-25282676-C-G. GRCh37 (hg19) VCF-style: chr2-25505545-C-G.
Other names: c.213G>C, p.Val71= (NM_001320892.2, NM_175629.2, NM_175630.1).
Identifiers: ClinVar variation 3344796 (VCV003344796.1).